The following is an entry in ClinVar:

ClinVar aggregate classification (germline): Pathogenic. Review status: criteria provided, multiple submitters, no conflicts (2 of 4 stars). 2 submissions from 2 submitters: Pathogenic (2). Last evaluated 2024-09-19.

Conditions:
Primary ciliary dyskinesia 3. Identifiers: Orphanet 244, MedGen C1837618, MONDO:0012085, OMIM 608644.
Primary ciliary dyskinesia. Also called: Ciliary dyskinesia. Identifiers: Orphanet 244, MedGen C0008780, MONDO:0016575, HP:0012265.

Submissions (2):

Myriad Genetics, Inc.
Classification: Pathogenic for Primary ciliary dyskinesia 3. Last evaluated: 2024-09-19. Review status: criteria provided, single submitter. Criteria: Myriad Autosomal Dominant, Autosomal Recessive and X-Linked Classification Criteria (2023). Collection method: clinical testing. Allele origin: unknown.
Comment: NM_001369.2(DNAH5):c.12114_12127del14(E4038Dfs*65) is expected to be pathogenic in the context of primary ciliary dyskinesia, DNAH5-related. This variant is predicted to lead to an abnormal or absent protein product due to the creation of a premature termination codon in DNAH5, a gene where loss-of-function variants are known to be pathogenic. Please note: this variant was assessed in the context of healthy population screening.

Labcorp Genetics (formerly Invitae), Labcorp
Classification: Pathogenic for Primary ciliary dyskinesia. Last evaluated: 2024-09-05. Review status: criteria provided, single submitter. Criteria: Invitae Variant Classification Sherloc (09022015). Collection method: clinical testing. Allele origin: germline.
Comment: This sequence change creates a premature translational stop signal (p.Glu4038Aspfs*65) in the DNAH5 gene. It is expected to result in an absent or disrupted protein product. Loss-of-function variants in DNAH5 are known to be pathogenic (PMID: 11788826, 16627867). This variant is not present in population databases (gnomAD no frequency). This variant has not been reported in the literature in individuals affected with DNAH5-related conditions. For these reasons, this variant has been classified as Pathogenic.

Literature cited by the submitters: PubMed 11788826 (cited by Labcorp Genetics (formerly Invitae), Labcorp); PubMed 16627867 (cited by Labcorp Genetics (formerly Invitae), Labcorp).

NM_001369.3(DNAH5):c.12114_12127del (p.Glu4038fs)

Gene: DNAH5 (dynein axonemal heavy chain 5; minus strand). Cytogenetic location: 5p15.2.
Variant type: Deletion.
Coding change: c.12114_12127del on transcript NM_001369.3 (MANE Select); coding-DNA positions 12114 to 12127, 14 bases deleted (ATCTGATCCACGGA).
Protein change: p.Glu4038fs; shifts the reading frame from glutamic acid 4038.
Molecular consequence: frameshift variant.
Genome position (GRCh38, 1-based): chr5:13,721,152-13,721,165, TCCGTGGATCAGAT deleted on the plus strand (ATCTGATCCACGGA on the coding strand, the reverse complement: DNAH5 is on the minus strand); deleting any 14 consecutive bases within chr5:13,721,152-13,721,168 gives the same sequence; the c. name uses the placement nearest the transcript's 3' end. VCF-style (leftmost placement, unchanged base first): chr5-13721151-GTCCGTGGATCAGAT-G. GRCh37 (hg19) VCF-style: chr5-13721260-GTCCGTGGATCAGAT-G.
Other names: short protein forms E4038fs.
Identifiers: ClinVar variation 3705211 (VCV003705211.3).